The following is an entry in ClinVar:

NM_000393.5(COL5A2):c.2597C>T (p.Pro866Leu)

Gene: COL5A2 (collagen type V alpha 2 chain; minus strand). Cytogenetic location: 2q32.2.
Variant type: single nucleotide variant.
Coding change: c.2597C>T on transcript NM_000393.5 (MANE Select); coding-DNA position 2597, C replaced by T.
Protein change: p.Pro866Leu; replaces proline 866 with leucine.
Molecular consequence: missense variant.
Genome position (GRCh38, 1-based): chr2:189,052,975, G>A on the plus strand (C>T on the coding strand, the complement: COL5A2 is on the minus strand). VCF-style: chr2-189052975-G-A. GRCh37 (hg19) VCF-style: chr2-189917701-G-A.
Other names: p.Pro866Leu; short protein forms P866L.
Identifiers: ClinVar variation 653883 (VCV000653883.13), dbSNP rs143261719, ClinGen allele CA2022261.

ClinVar aggregate classification (germline): Uncertain significance. Review status: criteria provided, multiple submitters, no conflicts (2 of 4 stars). 3 submissions from 3 submitters: Uncertain significance (3). Last evaluated 2025-01-14.

Conditions:
Ehlers-Danlos syndrome, classic type, 1 (EDSCL1). Also called: EDS I; EHLERS-DANLOS SYNDROME, GRAVIS TYPE; EHLERS-DANLOS SYNDROME, SEVERE CLASSIC TYPE; Ehlers-Danlos Syndrome, Classic Type, COL5A1-Related; Ehlers-Danlos syndrome, type 1. Identifiers: MedGen C0268335, MONDO:0019567, OMIM 130000.
Ehlers-Danlos syndrome, classic type, 2 (EDSCL2). Also called: Ehlers-Danlos Syndrome, Classic Type, COL5A2-Related; Ehlers-Danlos syndrome, type 2; Ehlers-Danlos syndrome type 2 (formerly). Identifiers: Orphanet 287, Orphanet 90318, MedGen C0268336, MONDO:0019568, OMIM 130010.

Allele frequency attached by ClinVar (database versions not stated): gnomAD exomes below 0.00001 and 0.00001; ESP Exome Variant Server 0.00008; ExAC 0.00001.
gnomAD v4.1: 9 of 1,614,070 alleles (0.00056%); highest among the groups gnomAD compares: Non-Finnish European, 0.00076%; no homozygotes.

Submissions (3):

Labcorp Genetics (formerly Invitae), Labcorp
Classification: Uncertain significance for Ehlers-Danlos syndrome, classic type, 1. Last evaluated: 2025-01-14. Review status: criteria provided, single submitter. Criteria: Invitae Variant Classification Sherloc (09022015). Collection method: clinical testing. Allele origin: germline.
Comment: This sequence change replaces proline, which is neutral and non-polar, with leucine, which is neutral and non-polar, at codon 866 of the COL5A2 protein (p.Pro866Leu). This variant is present in population databases (rs143261719, gnomAD 0.0009%). This variant has not been reported in the literature in individuals affected with COL5A2-related conditions. ClinVar contains an entry for this variant (Variation ID: 653883). Invitae Evidence Modeling of protein sequence and biophysical properties (such as structural, functional, and spatial information, amino acid conservation, physicochemical variation, residue mobility, and thermodynamic stability) indicates that this missense variant is not expected to disrupt COL5A2 protein function with a negative predictive value of 80%. In summary, the available evidence is currently insufficient to determine the role of this variant in disease. Therefore, it has been classified as a Variant of Uncertain Significance.

Mayo Clinic Laboratories, Mayo Clinic
Classification: Uncertain significance. Last evaluated: 2024-12-20. Review status: criteria provided, single submitter. Criteria: ACMG Guidelines, 2015. Collection method: clinical testing. Allele origin: germline. Observed: 2 variant alleles.
Comment: PP3, PM2_supporting

MGZ Medical Genetics Center
Classification: Uncertain significance for Ehlers-Danlos syndrome, classic type, 2. Last evaluated: 2022-03-30. Review status: criteria provided, single submitter. Criteria: ACMG Guidelines, 2015. Collection method: clinical testing. Allele origin: germline. Affected: yes. Observed: 1 variant allele.
Comment: ACMG criteria applied: PM2_SUP, PP3